The following is an entry in ClinVar:

ClinVar aggregate classification (germline): Uncertain significance (1 of 4 stars; one submission).

Conditions:
Early-infantile DEE. Also called: Early infantile epileptic encephalopathy; Ohtahara syndrome; Early infantile epileptic encephalopathy with suppression bursts. Identifiers: Orphanet 1934, MedGen C0393706, MONDO:0800491.

Submission:

Labcorp Genetics (formerly Invitae), Labcorp
Classification: Uncertain significance for Early-infantile DEE. Last evaluated: 2019-08-08. Review status: criteria provided, single submitter. Criteria: Invitae Variant Classification Sherloc (09022015). Collection method: clinical testing. Allele origin: germline.
Comment: Algorithms developed to predict the effect of missense changes on protein structure and function are either unavailable or do not agree on the potential impact of this missense change (SIFT: "Tolerated"; PolyPhen-2: "Possibly Damaging"; Align-GVGD: "Class C0"). This variant has not been reported in the literature in individuals with KCNQ2-related conditions. This variant is not present in population databases (ExAC no frequency). This sequence change replaces aspartic acid with histidine at codon 470 of the KCNQ2 protein (p.Asp470His). The aspartic acid residue is moderately conserved and there is a moderate physicochemical difference between aspartic acid and histidine. In summary, the available evidence is currently insufficient to determine the role of this variant in disease. Therefore, it has been classified as a Variant of Uncertain Significance.

NM_172107.4(KCNQ2):c.1408G>C (p.Asp470His)

Gene: KCNQ2 (potassium voltage-gated channel subfamily Q member 2; minus strand). Cytogenetic location: 20q13.33.
Variant type: single nucleotide variant.
Coding change: c.1408G>C on transcript NM_172107.4 (MANE Select); coding-DNA position 1408, G replaced by C.
Protein change: p.Asp470His; replaces aspartic acid 470 with histidine.
Molecular consequence: missense variant.
Genome position (GRCh38, 1-based): chr20:63,415,020, C>G on the plus strand (G>C on the coding strand, the complement: KCNQ2 is on the minus strand). VCF-style: chr20-63415020-C-G. GRCh37 (hg19) VCF-style: chr20-62046373-C-G.
Other names: c.1354G>C, p.Asp452His (NM_001382235.1, NM_172106.3); c.1324G>C, p.Asp442His (NM_004518.6); c.1318G>C, p.Asp440His (NM_172108.5); short protein forms D440H, D470H, D452H, D442H.
Identifiers: ClinVar variation 936153 (VCV000936153.10), dbSNP rs751907059, ClinGen allele CA409646652.
Genomic context (GRCh38, chr20:63,415,020, plus strand): 5'-TGCGGTCCCCGAAGCTCCAGCTCTTGGGCACCTTGCTGGGGCTGTCCTCGAGGCTCTGGT[C>G]GGCGCTGGGTGACCGCCTCACAGTCTGGGCCTGCGGGGACCCCTTCCCCTTGGCAGCCAC-3'
Protein context (NP_742105.1, residues 460-480): AQTVRRSPSA[Asp470His]QSLEDSPSKV